The following is an entry in ClinVar:

NM_000815.5(GABRD):c.1133G>A (p.Arg378His)

Gene: GABRD (gamma-aminobutyric acid type A receptor subunit delta; plus strand). Cytogenetic location: 1p36.33.
Variant type: single nucleotide variant.
Coding change: c.1133G>A on transcript NM_000815.5 (MANE Select); coding-DNA position 1133, G replaced by A.
Protein change: p.Arg378His; replaces arginine 378 with histidine.
Molecular consequence: missense variant.
Genome position (GRCh38, 1-based): chr1:2,030,056, G>A. VCF-style: chr1-2030056-G-A. GRCh37 (hg19) VCF-style: chr1-1961495-G-A.
Other names: short protein forms R378H.
Identifiers: ClinVar variation 3518194 (VCV003518194.2).

ClinVar aggregate classification (germline): Uncertain significance. Review status: criteria provided, multiple submitters, no conflicts (2 of 4 stars). 2 submissions from 2 submitters: Uncertain significance (2). Last evaluated 2025-08-29.

Conditions:
Inborn genetic diseases. Identifiers: MedGen C0950123, MeSH D030342.
Idiopathic generalized epilepsy. Also called: Generalised epilepsy; EIG. Identifiers: MedGen C0270850, MONDO:0005579, OMIM 600669.

gnomAD v4.1: 25 of 1,611,292 alleles (0.0016%); highest among the groups gnomAD compares: Non-Finnish European, 0.002%; no homozygotes.

Submissions (2):

Labcorp Genetics (formerly Invitae), Labcorp
Classification: Uncertain significance for Idiopathic generalized epilepsy. Last evaluated: 2025-08-29. Review status: criteria provided, single submitter. Criteria: Invitae Variant Classification Sherloc (09022015). Collection method: clinical testing. Allele origin: germline.
Comment: This sequence change replaces arginine, which is basic and polar, with histidine, which is basic and polar, at codon 378 of the GABRD protein (p.Arg378His). This variant is present in population databases (rs749014692, gnomAD 0.005%). This variant has not been reported in the literature in individuals affected with GABRD-related conditions. ClinVar contains an entry for this variant (Variation ID: 3518194). An algorithm developed to predict the effect of missense changes on protein structure and function outputs the following: PolyPhen-2: "Benign". The histidine amino acid residue is found in multiple mammalian species, which suggests that this missense change does not adversely affect protein function. In summary, the available evidence is currently insufficient to determine the role of this variant in disease. Therefore, it has been classified as a Variant of Uncertain Significance.

Ambry Genetics
Classification: Uncertain significance for Inborn genetic diseases. Last evaluated: 2024-09-30. Review status: criteria provided, single submitter. Criteria: Ambry Variant Classification Scheme 2023. Collection method: clinical testing. Allele origin: germline.